The following is an entry in ClinVar:

ClinVar aggregate classification (germline): Pathogenic/Likely pathogenic. Review status: criteria provided, multiple submitters, no conflicts (2 of 4 stars). 2 submissions from 2 submitters: Pathogenic (1); Likely pathogenic (1). Last evaluated 2024-06-14.

Conditions:
Hereditary cancer-predisposing syndrome. Also called: Hereditary neoplastic syndrome; Neoplastic Syndromes, Hereditary; Hereditary Cancer Syndrome; Tumor predisposition. Identifiers: Orphanet 140162, MedGen C0027672, MeSH D009386, MONDO:0015356.
Familial cancer of breast. Also called: Hereditary breast cancer; BREAST CANCER, FAMILIAL; hereditary breast carcinoma. Identifiers: Orphanet 227535, MedGen C0346153, MONDO:0016419, OMIM 114480. Disease mechanism: loss of function.

Submissions (2):

Ambry Genetics
Classification: Likely pathogenic for Hereditary cancer-predisposing syndrome. Last evaluated: 2024-06-14. Review status: criteria provided, single submitter. Criteria: Ambry Variant Classification Scheme 2023. Collection method: clinical testing. Allele origin: germline.
Comment: The c.3432delC variant, located in coding exon 13 of the PALB2 gene, results from a deletion of one nucleotide at nucleotide position 3432, causing a translational frameshift with a predicted alternate stop codon (p.G1145Vfs*18). This alteration occurs at the 3' terminus of thePALB2 gene, is not expected to trigger nonsense-mediated mRNA decay, and only impacts the last 3.5% of the protein. However, premature stop codons are typically deleterious in nature and the impacted region is critical for protein function (Ambry internal data). This variant is considered to be rare based on population cohorts in the Genome Aggregation Database (gnomAD). Based on the majority of available evidence to date, this variant is likely to be pathogenic.

Labcorp Genetics (formerly Invitae), Labcorp
Classification: Pathogenic for Familial cancer of breast. Last evaluated: 2023-12-19. Review status: criteria provided, single submitter. Criteria: Invitae Variant Classification Sherloc (09022015). Collection method: clinical testing. Allele origin: germline.
Comment: This sequence change creates a premature translational stop signal (p.Gly1145Valfs*18) in the PALB2 gene. While this is not anticipated to result in nonsense mediated decay, it is expected to disrupt the last 42 amino acid(s) of the PALB2 protein. This variant is not present in population databases (gnomAD no frequency). This variant has not been reported in the literature in individuals affected with PALB2-related conditions. This variant disrupts a region of the PALB2 protein in which other variant(s) (p.Tyr1183*) have been determined to be pathogenic (PMID: 17200668, 17200671, 19609323, 20927582, 21165770, 21365267, 22241545, 26315354). This suggests that this is a clinically significant region of the protein, and that variants that disrupt it are likely to be disease-causing. For these reasons, this variant has been classified as Pathogenic.

Literature cited by the submitters: PubMed 17200668 (cited by Labcorp Genetics (formerly Invitae), Labcorp); PubMed 17200671 (cited by Labcorp Genetics (formerly Invitae), Labcorp); PubMed 19609323 (cited by Labcorp Genetics (formerly Invitae), Labcorp); PubMed 20927582 (cited by Labcorp Genetics (formerly Invitae), Labcorp); PubMed 21165770 (cited by Labcorp Genetics (formerly Invitae), Labcorp); PubMed 21365267 (cited by Labcorp Genetics (formerly Invitae), Labcorp); PubMed 22241545 (cited by Labcorp Genetics (formerly Invitae), Labcorp); PubMed 26315354 (cited by Labcorp Genetics (formerly Invitae), Labcorp).

NM_024675.4(PALB2):c.3432del (p.Gly1145fs)

Gene: PALB2 (partner and localizer of BRCA2; minus strand). Cytogenetic location: 16p12.2.
Variant type: Deletion.
Coding change: c.3432del on transcript NM_024675.4 (MANE Select); coding-DNA position 3432, one base deleted (C; older notation c.3432delC).
Protein change: p.Gly1145fs; shifts the reading frame from glycine 1145.
Molecular consequence: frameshift variant. On other transcripts: 3 prime UTR variant (5).
Genome position (GRCh38, 1-based): chr16:23,603,588, G deleted on the plus strand (C on the coding strand, the reverse complement: PALB2 is on the minus strand). VCF-style (leftmost placement, unchanged base first): chr16-23603587-CG-C. GRCh37 (hg19) VCF-style: chr16-23614908-CG-C.
Other names: c.3372del, p.Gly1125fs (NM_001407296.1); c.3360del, p.Gly1121fs (NM_001407297.1); c.3270del, p.Gly1091fs (NM_001407298.1); c.3195del, p.Gly1066fs (NM_001407299.1); c.3153del, p.Gly1052fs (NM_001407300.1); c.*67del (NM_001407301.1, NM_001407302.1, NM_001407310.1 and 2 more transcripts); c.2547del, p.Gly850fs (NM_001407304.1, NM_001407305.1, NM_001407306.1); c.2385del, p.Gly796fs (NM_001407307.1); and 3 more; short protein forms G1066fs, G323fs, G549fs, G771fs, G796fs, G1052fs, G850fs, G1091fs.
Identifiers: ClinVar variation 2704064 (VCV002704064.4), dbSNP rs2506196933, ClinGen allele CA2697555780.